The following is an entry in ClinVar:

ClinVar aggregate classification (germline): Uncertain significance (1 of 4 stars; one submission).

Conditions:
Hereditary spastic paraplegia 11. Also called: Spastic paraplegia, mental retardation and thin corpus callosum; SPASTIC PARAPLEGIA, AUTOSOMAL RECESSIVE, COMPLICATED, WITH THIN CORPUS CALLOSUM; SPASTIC PARAPLEGIA, AUTOSOMAL RECESSIVE, WITH MENTAL IMPAIRMENT AND THIN CORPUS CALLOSUM; Nakamura Osame syndrome; Autosomal recessive hereditary spastic paraplegia, mental impairment, and thin corpus callosum; Spastic Paraplegia 11. Identifiers: Orphanet 2822, MedGen C1858479, MONDO:0011445, OMIM 604360.

Allele frequency attached by ClinVar (database versions not stated): gnomAD 0.00001; TOPMed 0.00001; ESP Exome Variant Server 0.00008.
gnomAD v4.1: 1 of 1,613,222 alleles (0.000062%); highest among the groups gnomAD compares: African/African-American, 0.0013%; no homozygotes.

Submission:

Labcorp Genetics (formerly Invitae), Labcorp
Classification: Uncertain significance for Hereditary spastic paraplegia 11. Last evaluated: 2022-08-15. Review status: criteria provided, single submitter. Criteria: Invitae Variant Classification Sherloc (09022015). Collection method: clinical testing. Allele origin: germline.
Comment: In summary, the available evidence is currently insufficient to determine the role of this variant in disease. Therefore, it has been classified as a Variant of Uncertain Significance. Algorithms developed to predict the effect of missense changes on protein structure and function are either unavailable or do not agree on the potential impact of this missense change (SIFT: "Deleterious"; PolyPhen-2: "Possibly Damaging"; Align-GVGD: "Class C0"). ClinVar contains an entry for this variant (Variation ID: 1380957). This variant has not been reported in the literature in individuals affected with SPG11-related conditions. This variant is not present in population databases (gnomAD no frequency). This sequence change replaces phenylalanine, which is neutral and non-polar, with cysteine, which is neutral and slightly polar, at codon 556 of the SPG11 protein (p.Phe556Cys).

NM_025137.4(SPG11):c.1667T>G (p.Phe556Cys)

Gene: SPG11 (SPG11 vesicle trafficking associated, spatacsin; minus strand). Cytogenetic location: 15q21.1.
Variant type: single nucleotide variant.
Coding change: c.1667T>G on transcript NM_025137.4 (MANE Select); coding-DNA position 1667, T replaced by G.
Protein change: p.Phe556Cys; replaces phenylalanine 556 with cysteine.
Molecular consequence: missense variant.
Genome position (GRCh38, 1-based): chr15:44,633,573, A>C on the plus strand (T>G on the coding strand, the complement: SPG11 is on the minus strand). VCF-style: chr15-44633573-A-C. GRCh37 (hg19) VCF-style: chr15-44925771-A-C.
Other names: c.1667T>G, p.Phe556Cys (NM_001160227.2); short protein forms F556C.
Identifiers: ClinVar variation 1380957 (VCV001380957.6), dbSNP rs375399685, ClinGen allele CA270084387.